The following is an entry in ClinVar:

ClinVar aggregate classification (germline): Benign/Likely benign. Review status: criteria provided, multiple submitters, no conflicts (2 of 4 stars). 3 submissions from 3 submitters: Benign (1); Likely benign (2). Last evaluated 2026-06-03.

Conditions:
Gastrointestinal stromal tumor. Also called: Gastrointestinal stromal tumor, somatic; Gastrointestinal stroma tumor. Identifiers: Orphanet 44890, MedGen C0238198, MeSH D046152, MONDO:0011719, OMIM 606764, HP:0100723.
Hereditary cancer-predisposing syndrome. Also called: Neoplastic Syndromes, Hereditary; Hereditary Cancer Syndrome; Hereditary neoplastic syndrome; Tumor predisposition. Identifiers: Orphanet 140162, MedGen C0027672, MeSH D009386, MONDO:0015356.

Allele frequency attached by ClinVar (database versions not stated): gnomAD exomes below 0.00001; TOPMed below 0.00001; ExAC 0.00001; gnomAD 0.00002.
gnomAD v4.1: 3 of 1,614,034 alleles (0.00019%); highest among the groups gnomAD compares: African/African-American, 0.004%; no homozygotes.

Submissions (3):

Myriad Genetics, Inc.
Classification: Benign for Gastrointestinal stromal tumor. Last evaluated: 2026-06-03. Review status: criteria provided, single submitter. Criteria: Myriad Autosomal Dominant, Autosomal Recessive and X-Linked Classification Criteria (2023). Collection method: clinical testing. Allele origin: unknown.
Comment: This variant is considered benign. This variant is a silent/synonymous amino acid change and it is not expected to impact splicing.

Labcorp Genetics (formerly Invitae), Labcorp
Classification: Likely benign for Gastrointestinal stromal tumor. Last evaluated: 2025-08-07. Review status: criteria provided, single submitter. Criteria: Invitae Variant Classification Sherloc (09022015). Collection method: clinical testing. Allele origin: germline.

Ambry Genetics
Classification: Likely benign for Hereditary cancer-predisposing syndrome. Last evaluated: 2022-08-24. Review status: criteria provided, single submitter. Criteria: Ambry Variant Classification Scheme 2023. Collection method: clinical testing. Allele origin: germline.

NM_000222.3(KIT):c.498C>G (p.Pro166=)

Gene: KIT (KIT proto-oncogene, receptor tyrosine kinase; plus strand). Cytogenetic location: 4q12.
Variant type: single nucleotide variant.
Coding change: c.498C>G on transcript NM_000222.3 (MANE Select); coding-DNA position 498, C replaced by G.
Protein change: p.Pro166=; no amino-acid change (proline 166 retained).
Molecular consequence: synonymous variant.
Genome position (GRCh38, 1-based): chr4:54,698,444, C>G. VCF-style: chr4-54698444-C-G. GRCh37 (hg19) VCF-style: chr4-55564610-C-G.
Other names: c.498C>G, p.Pro166= (NM_001093772.2, NM_001385284.1, NM_001385285.1 and 4 more transcripts).
Identifiers: ClinVar variation 797456 (VCV000797456.14), dbSNP rs761831851, ClinGen allele CA2923252.